The following is an entry in ClinVar:

NM_007194.4(CHEK2):c.1148C>A (p.Thr383Asn)

Gene: CHEK2 (checkpoint kinase 2; minus strand). Cytogenetic location: 22q12.1.
Variant type: single nucleotide variant.
Coding change: c.1148C>A on transcript NM_007194.4 (MANE Select); coding-DNA position 1148, C replaced by A.
Protein change: p.Thr383Asn; replaces threonine 383 with asparagine.
Molecular consequence: missense variant.
Genome position (GRCh38, 1-based): chr22:28,695,821, G>T on the plus strand (C>A on the coding strand, the complement: CHEK2 is on the minus strand). VCF-style: chr22-28695821-G-T. GRCh37 (hg19) VCF-style: chr22-29091809-G-T.
Other names: c.1061C>A, p.Thr354Asn (NM_145862.3); c.1277C>A, p.Thr426Asn (NM_001005735.3); c.485C>A, p.Thr162Asn (NM_001257387.3); c.947C>A, p.Thr316Asn (NM_001349956.3); short protein forms T383N, T354N, T316N, T426N, T162N.
Identifiers: ClinVar variation 230649 (VCV000230649.51), dbSNP rs202089930, ClinGen allele CA10581050.
Genomic context (GRCh38, chr22:28,695,821, plus strand): 5'-CCAGCAGTCCCAACAGAAACAAGAACTTCAGGCGCCAAGTAGGTGGGGGTTCCACATAAG[G>T]TTCTCATGAGAGAGGTCTCTCCCAAAATCTTGGAGTGCCCAAAATCAGTAATCTAAAATT-3'
Protein context (NP_009125.1, residues 373-393): KILGETSLMR[Thr383Asn]LCGTPTYLAP

ClinVar aggregate classification (germline): Uncertain significance. Review status: criteria provided, multiple submitters, no conflicts (2 of 4 stars). 5 submissions from 5 submitters: Uncertain significance (5). Last evaluated 2025-04-10.

Conditions:
Hereditary cancer-predisposing syndrome. Also called: Neoplastic Syndromes, Hereditary; Hereditary Cancer Syndrome; Tumor predisposition; Hereditary neoplastic syndrome. Identifiers: Orphanet 140162, MedGen C0027672, MeSH D009386, MONDO:0015356.
Familial cancer of breast. Also called: Hereditary breast cancer; hereditary breast carcinoma; BREAST CANCER, FAMILIAL. Identifiers: Orphanet 227535, MedGen C0346153, MONDO:0016419, OMIM 114480. Disease mechanism: loss of function.

Allele frequency attached by ClinVar (database versions not stated): gnomAD exomes below 0.00001.

Submissions (5):

Ambry Genetics
Classification: Uncertain significance for Hereditary cancer-predisposing syndrome. Last evaluated: 2025-04-10. Review status: criteria provided, single submitter. Criteria: Ambry Variant Classification Scheme 2023. Collection method: clinical testing. Allele origin: germline.
Comment: The p.T383N variant (also known as c.1148C>A), located in coding exon 10 of the CHEK2 gene, results from a C to A substitution at nucleotide position 1148. The threonine at codon 383 is replaced by asparagine, an amino acid with similar properties. This amino acid position is highly conserved in available vertebrate species. In addition, the in silico prediction for this alteration is inconclusive. Since supporting evidence is limited at this time, the clinical significance of this alteration remains unclear.

Labcorp Genetics (formerly Invitae), Labcorp
Classification: Uncertain significance for Familial cancer of breast. Last evaluated: 2024-10-07. Review status: criteria provided, single submitter. Criteria: Invitae Variant Classification Sherloc (09022015). Collection method: clinical testing. Allele origin: germline.
Comment: This sequence change replaces threonine, which is neutral and polar, with asparagine, which is neutral and polar, at codon 383 of the CHEK2 protein (p.Thr383Asn). This variant is not present in population databases (gnomAD no frequency). This variant has not been reported in the literature in individuals affected with CHEK2-related conditions. ClinVar contains an entry for this variant (Variation ID: 230649). An algorithm developed to predict the effect of missense changes on protein structure and function (PolyPhen-2) suggests that this variant is likely to be disruptive. In summary, the available evidence is currently insufficient to determine the role of this variant in disease. Therefore, it has been classified as a Variant of Uncertain Significance.

Baylor Genetics
Classification: Uncertain significance for Familial cancer of breast. Last evaluated: 2023-09-01. Review status: criteria provided, single submitter. Criteria: ACMG Guidelines, 2015. Collection method: clinical testing. Allele origin: unknown.

Revvity Omics, Revvity
Classification: Uncertain significance. Last evaluated: 2022-08-08. Review status: criteria provided, single submitter. Criteria: ACMG Guidelines, 2015. Collection method: clinical testing. Allele origin: germline.

CeGaT Center for Human Genetics Tuebingen
Classification: Uncertain significance. Last evaluated: 2022-05-01. Review status: criteria provided, single submitter. Criteria: CeGaT Center For Human Genetics Tuebingen Variant Classification Criteria Version 2. Collection method: clinical testing. Allele origin: germline. Affected: yes. Observed: 1 variant allele.
Comment: CHEK2: PM2, BP1